The following is an entry in ClinVar:

ClinVar aggregate classification (germline): Uncertain significance (1 of 4 stars; one submission).

Allele frequency attached by ClinVar (database versions not stated): gnomAD exomes below 0.00001; gnomAD 0.00001; TOPMed 0.00001.

Submission:

Labcorp Genetics (formerly Invitae), Labcorp
Classification: Uncertain significance. Last evaluated: 2025-03-17. Review status: criteria provided, single submitter. Criteria: Invitae Variant Classification Sherloc (09022015). Collection method: clinical testing. Allele origin: germline.
Comment: This sequence change replaces alanine, which is neutral and non-polar, with serine, which is neutral and polar, at codon 532 of the ZNF408 protein (p.Ala532Ser). This variant is not present in population databases (gnomAD no frequency). This variant has not been reported in the literature in individuals affected with ZNF408-related conditions. ClinVar contains an entry for this variant (Variation ID: 2006509). An algorithm developed to predict the effect of missense changes on protein structure and function outputs the following: PolyPhen-2: "Benign". The serine amino acid residue is found in multiple mammalian species, which suggests that this missense change does not adversely affect protein function. In summary, the available evidence is currently insufficient to determine the role of this variant in disease. Therefore, it has been classified as a Variant of Uncertain Significance.

NM_024741.3(ZNF408):c.1594G>T (p.Ala532Ser)

Gene: ZNF408 (zinc finger protein 408; plus strand). Cytogenetic location: 11p11.2.
Variant type: single nucleotide variant.
Coding change: c.1594G>T on transcript NM_024741.3 (MANE Select); coding-DNA position 1594, G replaced by T.
Protein change: p.Ala532Ser; replaces alanine 532 with serine.
Molecular consequence: missense variant.
Genome position (GRCh38, 1-based): chr11:46,705,294, G>T. VCF-style: chr11-46705294-G-T. GRCh37 (hg19) VCF-style: chr11-46726844-G-T.
Other names: c.1570G>T, p.Ala524Ser (NM_001184751.2); short protein forms A532S, A524S.
Identifiers: ClinVar variation 2006509 (VCV002006509.4), dbSNP rs997277064, ClinGen allele CA221634083.